The following is an entry in ClinVar:

ClinVar aggregate classification (germline): Likely benign. Review status: criteria provided, multiple submitters, no conflicts (2 of 4 stars). 3 submissions from 3 submitters: Likely benign (3). Last evaluated 2021-01-12.

Conditions:
Desmosterolosis. Identifiers: Orphanet 35107, MedGen C1865596, MONDO:0011217, OMIM 602398.

Allele frequency attached by ClinVar (database versions not stated): gnomAD exomes 0.00677; 1000 Genomes Project 30x 0.00718; 1000 Genomes Project 0.00719; gnomAD 0.00902 and 0.00942; TOPMed 0.00994.
gnomAD v4.1: 4,423 of 603,238 alleles (0.73%); highest among the groups gnomAD compares: African/African-American, 1.5%; 29 homozygotes.

Submissions (3):

GeneDx
Classification: Likely benign. Last evaluated: 2021-01-12. Review status: criteria provided, single submitter. Criteria: GeneDx Variant Classification Process June 2021. Collection method: clinical testing. Allele origin: germline. Affected: yes.

Illumina Laboratory Services, Illumina
Classification: Likely benign for Desmosterolosis. Last evaluated: 2018-01-13. Review status: criteria provided, single submitter. Criteria: ICSL Variant Classification Criteria 13 December 2019. Collection method: clinical testing. Allele origin: germline.
Comment: This variant was observed in the ICSL laboratory as part of a predisposition screen in an ostensibly healthy population. It had not been previously curated by ICSL or reported in the Human Gene Mutation Database (HGMD: prior to June 1st, 2018), and was therefore a candidate for classification through an automated scoring system. Utilizing variant allele frequency, disease prevalence and penetrance estimates, and inheritance mode, an automated score was calculated to assess if this variant is too frequent to cause the disease. Based on the score and internal cut-off values, a variant classified as likely benign is not then subjected to further curation. The score for this variant resulted in a classification of likely benign for this disease.

Breakthrough Genomics
Classification: Likely benign. Review status: criteria provided, single submitter. Criteria: ACMG Guidelines, 2015. Collection method: not provided. Allele origin: germline. Inheritance: Autosomal recessive inheritance. Affected: yes.

NM_014762.4(DHCR24):c.*218C>A

Gene: DHCR24 (24-dehydrocholesterol reductase; minus strand). Cytogenetic location: 1p32.3.
Variant type: single nucleotide variant.
Coding change: c.*218C>A on transcript NM_014762.4 (MANE Select); 218 bases downstream of the stop codon, C replaced by A.
Molecular consequence: 3 prime UTR variant.
Genome position (GRCh38, 1-based): chr1:54,852,015, G>T on the plus strand (C>A on the coding strand, the complement: DHCR24 is on the minus strand). VCF-style: chr1-54852015-G-T. GRCh37 (hg19) VCF-style: chr1-55317688-G-T.
Identifiers: ClinVar variation 875159 (VCV000875159.8), dbSNP rs145558556, ClinGen allele CA22780469.